The following is an entry in ClinVar:

ClinVar aggregate classification (germline): Benign/Likely benign. Review status: criteria provided, multiple submitters, no conflicts (2 of 4 stars). 5 submissions from 5 submitters: Benign (1); Likely benign (4). Last evaluated 2026-02-01.

Conditions:
COL11A2-related disorder. Also called: COL11A2-related disorders; COL11A2-related condition.

Allele frequency attached by ClinVar (database versions not stated): gnomAD exomes 0.00007; ExAC 0.00009.
gnomAD v4.1: 78 of 1,612,866 alleles (0.0048%); highest among the groups gnomAD compares: South Asian, 0.054%; no homozygotes.

Submissions (5):

Labcorp Genetics (formerly Invitae), Labcorp
Classification: Benign. Last evaluated: 2026-02-01. Review status: criteria provided, single submitter. Criteria: Invitae Variant Classification Sherloc (09022015). Collection method: clinical testing. Allele origin: germline.

Women's Health and Genetics/Laboratory Corporation of America, LabCorp
Classification: Likely benign. Last evaluated: 2026-01-05. Review status: criteria provided, single submitter. Criteria: LabCorp Variant Classification Summary - May 2015. Collection method: clinical testing. Allele origin: germline.

PreventionGenetics, part of Exact Sciences
Classification: Likely benign for COL11A2-related condition. Last evaluated: 2025-04-11. Review status: criteria provided, single submitter. Criteria: ACMG Guidelines, 2015. Collection method: clinical testing. Allele origin: germline.
Comment: This variant is classified as likely benign based on ACMG/AMP sequence variant interpretation guidelines (Richards et al. 2015 PMID: 25741868, with internal and published modifications).

Blueprint Genetics
Classification: Likely benign. Last evaluated: 2024-02-16. Review status: criteria provided, single submitter. Criteria: ACMG Guidelines, 2015. Collection method: clinical testing. Allele origin: germline.

GeneDx
Classification: Likely benign. Last evaluated: 2019-02-26. Review status: criteria provided, single submitter. Criteria: GeneDx Variant Classification Process June 2021. Collection method: clinical testing. Allele origin: germline. Affected: yes.

NM_080680.3(COL11A2):c.4056G>A (p.Pro1352=)

Gene: COL11A2 (collagen type XI alpha 2 chain; minus strand). Cytogenetic location: 6p21.32.
Variant type: single nucleotide variant.
Coding change: c.4056G>A on transcript NM_080680.3 (MANE Select); coding-DNA position 4056, G replaced by A.
Protein change: p.Pro1352=; no amino-acid change (proline 1352 retained).
Molecular consequence: synonymous variant.
Genome position (GRCh38, 1-based): chr6:33,167,492, C>T on the plus strand (G>A on the coding strand, the complement: COL11A2 is on the minus strand). VCF-style: chr6-33167492-C-T. GRCh37 (hg19) VCF-style: chr6-33135269-C-T.
Other names: c.3735G>A, p.Pro1245= (NM_080679.3); c.3798G>A, p.Pro1266= (NM_080681.3).
Identifiers: ClinVar variation 1197573 (VCV001197573.10), dbSNP rs769169475, ClinGen allele CA3750238.
Genomic context (GRCh38, chr6:33,167,492, plus strand): 5'-GCCTGGGAGCCCCCTCAGACCATCAGGGCCAGGTTTCCCTGCTGGGCCTGCAGGACCCAC[C>T]GGGCCTGTCTTCCCCGGGGCACCTATAGCGCCAGGATCTCCCTGAAACACACACAAGGAA-3'
Protein context (NP_542411.2, residues 1342-1362): GAIGAPGKTG[Pro1352=]VGPAGPAGKP